The following is an entry in ClinVar:

NM_000245.4(MET):c.3304G>A (p.Gly1102Ser)

Gene: MET (MET proto-oncogene, receptor tyrosine kinase; plus strand). Cytogenetic location: 7q31.2.
Variant type: single nucleotide variant.
Coding change: c.3304G>A on transcript NM_000245.4 (MANE Select); coding-DNA position 3304, G replaced by A.
Protein change: p.Gly1102Ser; replaces glycine 1102 with serine.
Molecular consequence: missense variant.
Genome position (GRCh38, 1-based): chr7:116,777,433, G>A. VCF-style: chr7-116777433-G-A. GRCh37 (hg19) VCF-style: chr7-116417487-G-A.
Other names: c.3358G>A, p.Gly1120Ser (NM_001127500.3); c.2014G>A, p.Gly672Ser (NM_001324402.2); short protein forms G1102S, G672S, G1120S.
Identifiers: ClinVar variation 2006342 (VCV002006342.8), dbSNP rs2117040123, ClinGen allele CA368989685.

ClinVar aggregate classification (germline): Conflicting classifications of pathogenicity. Review status: criteria provided, conflicting classifications (1 of 4 stars). 3 submissions from 3 submitters: Uncertain significance (2); Likely benign (1). Last evaluated 2025-11-13.

Conditions:
Hereditary cancer-predisposing syndrome. Also called: Hereditary neoplastic syndrome; Hereditary Cancer Syndrome; Tumor predisposition; Neoplastic Syndromes, Hereditary. Identifiers: Orphanet 140162, MedGen C0027672, MeSH D009386, MONDO:0015356.
Autosomal recessive nonsyndromic hearing loss 97. Also called: Deafness, autosomal recessive 97. Identifiers: Orphanet 90636, MedGen C4084709, MONDO:0014739, OMIM 616705.
Renal cell carcinoma. Identifiers: Orphanet 217071, MedGen C0007134, MeSH D002292, MONDO:0005086, HP:0005584.

Submissions (3):

Labcorp Genetics (formerly Invitae), Labcorp
Classification: Uncertain significance for Renal cell carcinoma. Last evaluated: 2025-11-13. Review status: criteria provided, single submitter. Criteria: Invitae Variant Classification Sherloc (09022015). Collection method: clinical testing. Allele origin: germline.
Comment: This sequence change replaces glycine, which is neutral and non-polar, with serine, which is neutral and polar, at codon 1120 of the MET protein (p.Gly1120Ser). This variant is not present in population databases (gnomAD no frequency). This variant has not been reported in the literature in individuals affected with MET-related conditions. ClinVar contains an entry for this variant (Variation ID: 2006342). Invitae Evidence Modeling of protein sequence and biophysical properties (such as structural, functional, and spatial information, amino acid conservation, physicochemical variation, residue mobility, and thermodynamic stability) indicates that this missense variant is not expected to disrupt MET protein function with a negative predictive value of 80%. In summary, the available evidence is currently insufficient to determine the role of this variant in disease. Therefore, it has been classified as a Variant of Uncertain Significance.

Ambry Genetics
Classification: Likely benign for Hereditary cancer-predisposing syndrome. Last evaluated: 2025-09-05. Review status: criteria provided, single submitter. Criteria: Ambry Variant Classification Scheme 2023. Collection method: clinical testing. Allele origin: germline.

Baylor Genetics
Classification: Uncertain significance for Autosomal recessive nonsyndromic hearing loss 97. Last evaluated: 2023-12-16. Review status: criteria provided, single submitter. Criteria: ACMG Guidelines, 2015. Collection method: clinical testing. Allele origin: unknown.